The following is an entry in ClinVar:

NM_001148.6(ANK2):c.10685C>T (p.Pro3562Leu)

Gene: ANK2 (ankyrin 2; plus strand). Cytogenetic location: 4q26.
Variant type: single nucleotide variant.
Coding change: c.10685C>T on transcript NM_001148.6 (MANE Select); coding-DNA position 10685, C replaced by T.
Protein change: p.Pro3562Leu; replaces proline 3562 with leucine.
Molecular consequence: missense variant.
Genome position (GRCh38, 1-based): chr4:113,360,826, C>T. VCF-style: chr4-113360826-C-T. GRCh37 (hg19) VCF-style: chr4-114281982-C-T.
Other names: c.4403C>T, p.Pro1468Leu (NM_001127493.3); c.4442C>T, p.Pro1481Leu (NM_001354225.2); c.4331C>T, p.Pro1444Leu (NM_001354228.2, NM_001354258.2); c.4409C>T, p.Pro1470Leu (NM_001354230.2); c.4472C>T, p.Pro1491Leu (NM_001354231.2, NM_001354242.2); c.4466C>T, p.Pro1489Leu (NM_001354232.2); c.4427C>T, p.Pro1476Leu (NM_001354235.2, NM_001354246.2, NM_001354265.2); c.4328C>T, p.Pro1443Leu (NM_001354236.2); and 35 more; short protein forms P1316L, P1349L, P1377L, P1382L, P1390L, P1399L, P1402L, P1404L.
Identifiers: ClinVar variation 1052385 (VCV001052385.10), dbSNP rs779374859, ClinGen allele CA3052113.

ClinVar aggregate classification (germline): Conflicting classifications of pathogenicity. Review status: criteria provided, conflicting classifications (1 of 4 stars). 3 submissions from 3 submitters: Uncertain significance (2); Likely benign (1). Last evaluated 2023-06-23.

Conditions:
Cardiovascular phenotype. Identifiers: MedGen CN230736.
Long QT syndrome (LQTS). Identifiers: MedGen C0023976, MeSH D008133, MONDO:0002442. Disease mechanism: loss of function. Inheritance: Various modes of inheritance.

gnomAD v4.1: 6 of 1,612,334 alleles (0.00037%); highest among the groups gnomAD compares: Non-Finnish European, 0.00051%; no homozygotes.

Submissions (3):

Labcorp Genetics (formerly Invitae), Labcorp
Classification: Uncertain significance for Long QT syndrome. Last evaluated: 2023-06-23. Review status: criteria provided, single submitter. Criteria: Invitae Variant Classification Sherloc (09022015). Collection method: clinical testing. Allele origin: germline.
Comment: This sequence change replaces proline, which is neutral and non-polar, with leucine, which is neutral and non-polar, at codon 3562 of the ANK2 protein (p.Pro3562Leu). This variant is present in population databases (rs779374859, gnomAD 0.003%). This variant has not been reported in the literature in individuals affected with ANK2-related conditions. ClinVar contains an entry for this variant (Variation ID: 1052385). Algorithms developed to predict the effect of missense changes on protein structure and function output the following: SIFT: "Not Available"; PolyPhen-2: "Benign"; Align-GVGD: "Not Available". The leucine amino acid residue is found in multiple mammalian species, which suggests that this missense change does not adversely affect protein function. In summary, the available evidence is currently insufficient to determine the role of this variant in disease. Therefore, it has been classified as a Variant of Uncertain Significance.

Ambry Genetics
Classification: Uncertain significance for Cardiovascular phenotype. Last evaluated: 2019-09-11. Review status: criteria provided, single submitter. Criteria: Ambry Variant Classification Scheme 2023. Collection method: clinical testing. Allele origin: germline.
Comment: The p.P3562L variant (also known as c.10685C>T), located in coding exon 39 of the ANK2 gene, results from a C to T substitution at nucleotide position 10685. The proline at codon 3562 is replaced by leucine, an amino acid with similar properties. This amino acid position is poorly conserved in available vertebrate species. In addition, the in silico prediction for this alteration is inconclusive. Since supporting evidence is limited at this time, the clinical significance of this alteration remains unclear.

GeneDx
Classification: Likely benign. Last evaluated: 2015-03-03. Review status: criteria provided, single submitter. Criteria: GeneDx Variant Classification Process June 2021. Collection method: clinical testing. Allele origin: germline. Affected: yes.